The following is an entry in ClinVar:

NM_006947.4(SRP72):c.1196T>C (p.Ile399Thr)

Gene: SRP72 (signal recognition particle 72; plus strand). Cytogenetic location: 4q12.
Variant type: single nucleotide variant.
Coding change: c.1196T>C on transcript NM_006947.4 (MANE Select); coding-DNA position 1196, T replaced by C.
Protein change: p.Ile399Thr; replaces isoleucine 399 with threonine.
Molecular consequence: missense variant. On other transcripts: non-coding transcript variant (1).
Genome position (GRCh38, 1-based): chr4:56,487,985, T>C. VCF-style: chr4-56487985-T-C. GRCh37 (hg19) VCF-style: chr4-57354151-T-C.
Other names: c.1013T>C, p.Ile338Thr (NM_001267722.2); c.1196T>C (NM_006947.3); short protein forms I338T, I399T.
Identifiers: ClinVar variation 1968929 (VCV001968929.6), dbSNP rs1720779043, ClinGen allele CA357000553.

ClinVar aggregate classification (germline): Uncertain significance. Review status: criteria provided, multiple submitters, no conflicts (2 of 4 stars). 2 submissions from 2 submitters: Uncertain significance (2). Last evaluated 2024-12-16.

Allele frequency attached by ClinVar (database versions not stated): gnomAD exomes below 0.00001; TOPMed below 0.00001; gnomAD 0.00001.
gnomAD v4.1: 3 of 1,600,210 alleles (0.00019%); highest among the groups gnomAD compares: Admixed American, 0.0054%; no homozygotes.

Submissions (2):

Ambry Genetics
Classification: Uncertain significance. Last evaluated: 2024-12-16. Review status: criteria provided, single submitter. Criteria: Ambry Variant Classification Scheme 2023. Collection method: clinical testing. Allele origin: germline.
Comment: The p.I399T variant (also known as c.1196T>C), located in coding exon 12 of the SRP72 gene, results from a T to C substitution at nucleotide position 1196. The isoleucine at codon 399 is replaced by threonine, an amino acid with similar properties. This amino acid position is conserved. In addition, the in silico prediction for this alteration is inconclusive. Based on the available evidence, the clinical significance of this variant remains unclear.

Labcorp Genetics (formerly Invitae), Labcorp
Classification: Uncertain significance. Last evaluated: 2023-08-18. Review status: criteria provided, single submitter. Criteria: Invitae Variant Classification Sherloc (09022015). Collection method: clinical testing. Allele origin: germline.
Comment: This variant has not been reported in the literature in individuals affected with SRP72-related conditions. ClinVar contains an entry for this variant (Variation ID: 1968929). Advanced modeling of protein sequence and biophysical properties (such as structural, functional, and spatial information, amino acid conservation, physicochemical variation, residue mobility, and thermodynamic stability) performed at Invitae indicates that this missense variant is not expected to disrupt SRP72 protein function. In summary, the available evidence is currently insufficient to determine the role of this variant in disease. Therefore, it has been classified as a Variant of Uncertain Significance. This variant is not present in population databases (gnomAD no frequency). This sequence change replaces isoleucine, which is neutral and non-polar, with threonine, which is neutral and polar, at codon 399 of the SRP72 protein (p.Ile399Thr).